The following is an entry in ClinVar:

ClinVar aggregate classification (germline): Benign. Review status: criteria provided, multiple submitters, no conflicts (2 of 4 stars). 4 submissions from 2 submitters: Benign (4). Last evaluated 2021-07-01.

Conditions:
Usher syndrome type 1 (USH1). Also called: RETINITIS PIGMENTOSA AND CONGENITAL DEAFNESS. Identifiers: Orphanet 231169, Orphanet 886, MedGen C1568247, MONDO:0010168, OMIM 276900.
Autosomal dominant nonsyndromic hearing loss 11. Identifiers: Orphanet 90635, MedGen C1832475, MONDO:0011032, OMIM 601317.
Autosomal recessive nonsyndromic hearing loss 2. Also called: DEAFNESS, AUTOSOMAL RECESSIVE 2; NEUROSENSORY NONSYNDROMIC RECESSIVE DEAFNESS 2. Identifiers: Orphanet 90636, MedGen C1838701, MONDO:0010807, OMIM 600060.

Allele frequency attached by ClinVar (database versions not stated): 1000 Genomes Project 0.54333; 1000 Genomes Project 30x 0.54685; gnomAD 0.57946 and 0.59043; TOPMed 0.58615.
gnomAD v4.1: 88,130 of 152,176 alleles (58%); highest among the groups gnomAD compares: African/African-American, 69%; 26,021 homozygotes.

Submissions (4):

Genome-Nilou Lab
Classification: Benign for Autosomal dominant nonsyndromic hearing loss 11. Last evaluated: 2021-07-01. Review status: criteria provided, single submitter. Criteria: ACMG Guidelines, 2015. Collection method: clinical testing. Allele origin: germline. Affected: no.

Genome-Nilou Lab
Classification: Benign for Autosomal recessive nonsyndromic hearing loss 2. Last evaluated: 2021-07-01. Review status: criteria provided, single submitter. Criteria: ACMG Guidelines, 2015. Collection method: clinical testing. Allele origin: germline. Affected: no.

Genome-Nilou Lab
Classification: Benign for Usher syndrome type 1. Last evaluated: 2021-07-01. Review status: criteria provided, single submitter. Criteria: ACMG Guidelines, 2015. Collection method: clinical testing. Allele origin: germline. Affected: no.

GeneDx
Classification: Benign. Last evaluated: 2018-06-14. Review status: criteria provided, single submitter. Criteria: GeneDx Variant Classification (06012015). Collection method: clinical testing. Allele origin: germline. Affected: yes.
Comment: This variant is considered likely benign or benign based on one or more of the following criteria: it is a conservative change, it occurs at a poorly conserved position in the protein, it is predicted to be benign by multiple in silico algorithms, and/or has population frequency not consistent with disease.

NM_000260.4(MYO7A):c.5480+162C>G

Gene: MYO7A (myosin VIIA; plus strand). Cytogenetic location: 11q13.5.
Variant type: single nucleotide variant.
Coding change: c.5480+162C>G on transcript NM_000260.4 (MANE Select); 162 bases into the intron after coding-DNA position 5480, C replaced by G.
Molecular consequence: intron variant.
Genome position (GRCh38, 1-based): chr11:77,204,391, C>G. VCF-style: chr11-77204391-C-G. GRCh37 (hg19) VCF-style: chr11-76915436-C-G.
Other names: c.5333+162C>G (NM_001369365.1); c.5366+162C>G (NM_001127180.2).
Identifiers: ClinVar variation 670381 (VCV000670381.4), dbSNP rs11237120, ClinGen allele CA13464855.
Genomic context (GRCh38, chr11:77,204,391, plus strand): 5'-CTTCCTCACACAGAGCCGGGAGCTGCTCATGGGCCCCCTCACATCCTAGCTTGGCCCCAA[C>G]GCCCAAGGAGGGCCTAGCAGGAACTGGGAGGTGGTGGATGTCTTCCTTTGAGTCTGTCCT-3'